The following is an entry in ClinVar:

ClinVar aggregate classification (germline): Benign/Likely benign. Review status: criteria provided, multiple submitters, no conflicts (2 of 4 stars). 7 submissions from 7 submitters: Benign (3); Likely benign (4). Last evaluated 2026-06-01.

Conditions:
DICER1-related disorder. Also called: DICER1-related condition.
DICER1-related tumor predisposition. Also called: DICER1-related pleuropulmonary blastoma cancer predisposition syndrome; DICER1 syndrome. Identifiers: Orphanet 284343, MedGen C3839822, MONDO:0100216.
Hereditary cancer-predisposing syndrome. Also called: Hereditary Cancer Syndrome; Tumor predisposition; Neoplastic Syndromes, Hereditary; Hereditary neoplastic syndrome. Identifiers: Orphanet 140162, MedGen C0027672, MeSH D009386, MONDO:0015356.

Allele frequency attached by ClinVar (database versions not stated): gnomAD 0.00001 and 0.00002; gnomAD exomes 0.00001 and 0.00004; TOPMed 0.00001; ExAC 0.00003.
gnomAD v4.1: 19 of 1,611,914 alleles (0.0012%); highest among the groups gnomAD compares: East Asian, 0.0067%; no homozygotes.

Submissions (7):

CeGaT Center for Human Genetics Tuebingen
Classification: Likely benign. Last evaluated: 2026-06-01. Review status: criteria provided, single submitter. Criteria: CeGaT Center For Human Genetics Tuebingen Variant Classification Criteria Version 2. Collection method: clinical testing. Allele origin: germline. Affected: yes. Observed: 2 variant alleles.
Comment: DICER1: BP4, BP7

Myriad Genetics, Inc.
Classification: Benign for DICER1-related tumor predisposition. Last evaluated: 2026-04-17. Review status: criteria provided, single submitter. Criteria: Myriad Autosomal Dominant, Autosomal Recessive and X-Linked Classification Criteria (2023). Collection method: clinical testing. Allele origin: unknown.
Comment: This variant is considered benign. This variant is a silent/synonymous amino acid change and it is not expected to impact splicing.

Labcorp Genetics (formerly Invitae), Labcorp
Classification: Benign for DICER1-related tumor predisposition. Last evaluated: 2026-01-25. Review status: criteria provided, single submitter. Criteria: Invitae Variant Classification Sherloc (09022015). Collection method: clinical testing. Allele origin: germline.

Quest Diagnostics Nichols Institute San Juan Capistrano
Classification: Benign. Last evaluated: 2025-06-16. Review status: criteria provided, single submitter. Criteria: Quest Diagnostics criteria. Collection method: clinical testing. Allele origin: unknown.

PreventionGenetics, part of Exact Sciences
Classification: Likely benign for DICER1-related condition. Last evaluated: 2025-05-05. Review status: criteria provided, single submitter. Criteria: ACMG Guidelines, 2015. Collection method: clinical testing. Allele origin: germline.
Comment: This variant is classified as likely benign based on ACMG/AMP sequence variant interpretation guidelines (Richards et al. 2015 PMID: 25741868, with internal and published modifications).

Blueprint Genetics
Classification: Likely benign. Last evaluated: 2024-08-31. Review status: criteria provided, single submitter. Criteria: ACMG Guidelines, 2015. Collection method: clinical testing. Allele origin: germline.

Ambry Genetics
Classification: Likely benign for Hereditary cancer-predisposing syndrome. Last evaluated: 2017-12-14. Review status: criteria provided, single submitter. Criteria: Ambry Variant Classification Scheme 2023. Collection method: clinical testing. Allele origin: germline.

NM_177438.3(DICER1):c.4251C>T (p.Tyr1417=)

Gene: DICER1 (dicer 1, ribonuclease III; minus strand). Cytogenetic location: 14q32.13.
Variant type: single nucleotide variant.
Coding change: c.4251C>T on transcript NM_177438.3 (MANE Select); coding-DNA position 4251, C replaced by T.
Protein change: p.Tyr1417=; no amino-acid change (tyrosine 1417 retained).
Molecular consequence: synonymous variant.
Genome position (GRCh38, 1-based): chr14:95,096,669, G>A on the plus strand (C>T on the coding strand, the complement: DICER1 is on the minus strand). VCF-style: chr14-95096669-G-A. GRCh37 (hg19) VCF-style: chr14-95563006-G-A.
Other names: c.4251C>T, p.Tyr1417= (NM_001195573.1, NM_001271282.3, NM_001291628.2 and 1 more transcripts).
Identifiers: ClinVar variation 543671 (VCV000543671.38), dbSNP rs763063055, ClinGen allele CA7330868.